The following is an entry in ClinVar:

NM_007103.4(NDUFV1):c.700+12C>T

Gene: NDUFV1 (NADH:ubiquinone oxidoreductase core subunit V1; plus strand). Cytogenetic location: 11q13.2.
Variant type: single nucleotide variant.
Coding change: c.700+12C>T on transcript NM_007103.4 (MANE Select); 12 bases into the intron after coding-DNA position 700, C replaced by T.
Molecular consequence: intron variant.
Genome position (GRCh38, 1-based): chr11:67,610,582, C>T. VCF-style: chr11-67610582-C-T. GRCh37 (hg19) VCF-style: chr11-67378053-C-T.
Other names: c.673+12C>T (NM_001166102.2).
Identifiers: ClinVar variation 214843 (VCV000214843.10), dbSNP rs200417926, ClinGen allele CA320641.
Genomic context (GRCh38, chr11:67,610,582, plus strand): 5'-GGCAAGCAGGGCAAGCCCCGCCTGAAGCCCCCCTTCCCCGCAGACGTGGGTAAGGCCTGG[C>T]GTAACCCTGGGTCAGACTGTGTCCTGTGACACCCGGGATCTGGCTAGGCTCCCTTTGGAT-3'

ClinVar aggregate classification (germline): Conflicting classifications of pathogenicity. Review status: criteria provided, conflicting classifications (1 of 4 stars). 5 submissions from 4 submitters: Uncertain significance (2); Benign (1); Likely benign (2). Last evaluated 2025-10-17.

Conditions:
Mitochondrial complex I deficiency, nuclear type 1. Also called: NADH-COENZYME Q REDUCTASE DEFICIENCY; MITOCHONDRIAL NADH DEHYDROGENASE COMPONENT OF COMPLEX I, DEFICIENCY OF. Identifiers: MedGen C6022305, MONDO:0100224, OMIM 252010.
Leigh syndrome (NULS). Also called: Leigh's syndrome; Leigh Disease; Subacute necrotizing encephalopathy; Necrotizing encephalopathy infantile subacute of Leigh; LEIGH SYNDROME, NUCLEAR; Leigh's necrotizing encephalopathy. Identifiers: Orphanet 506, MedGen C2931891, MONDO:0009723, OMIM 256000.

Allele frequency attached by ClinVar (database versions not stated): ESP Exome Variant Server 0.00015; 1000 Genomes Project 30x 0.00016; ExAC 0.00017; gnomAD exomes 0.00018 and 0.00033; gnomAD 0.00019 and 0.00020; 1000 Genomes Project 0.00020; TOPMed 0.00022.
gnomAD v4.1: 514 of 1,613,440 alleles (0.032%); highest among the groups gnomAD compares: Non-Finnish European, 0.04%; no homozygotes.

Submissions (5):

Labcorp Genetics (formerly Invitae), Labcorp
Classification: Likely benign. Last evaluated: 2025-10-17. Review status: criteria provided, single submitter. Criteria: Invitae Variant Classification Sherloc (09022015). Collection method: clinical testing. Allele origin: germline.

Blueprint Genetics
Classification: Likely benign. Last evaluated: 2024-11-17. Review status: criteria provided, single submitter. Criteria: ACMG Guidelines, 2015. Collection method: clinical testing. Allele origin: germline.

Illumina Laboratory Services, Illumina
Classification: Uncertain significance for Leigh syndrome. Last evaluated: 2018-01-13. Review status: criteria provided, single submitter. Criteria: ICSL Variant Classification Criteria 13 December 2019. Collection method: clinical testing. Allele origin: germline.

Illumina Laboratory Services, Illumina
Classification: Uncertain significance for Mitochondrial complex I deficiency, nuclear type 1. Last evaluated: 2018-01-13. Review status: criteria provided, single submitter. Criteria: ICSL Variant Classification Criteria 13 December 2019. Collection method: clinical testing. Allele origin: germline.

GeneDx
Classification: Benign. Last evaluated: 2014-10-07. Review status: criteria provided, single submitter. Criteria: GeneDx Variant Classification (06012015). Collection method: clinical testing. Allele origin: germline. Affected: yes.
Comment: This variant is considered likely benign or benign based on one or more of the following criteria: it is a conservative change, it occurs at a poorly conserved position in the protein, it is predicted to be benign by multiple in silico algorithms, and/or has population frequency not consistent with disease.